The following is an entry in ClinVar:

ClinVar aggregate classification (germline): Uncertain significance. Review status: criteria provided, multiple submitters, no conflicts (2 of 4 stars). 2 submissions from 2 submitters: Uncertain significance (2). Last evaluated 2025-01-06.

Conditions:
Inborn genetic diseases. Identifiers: MedGen C0950123, MeSH D030342.

Allele frequency attached by ClinVar (database versions not stated): gnomAD 0.00001 and 0.00002; gnomAD exomes 0.00001 and 0.00002; ExAC 0.00002; TOPMed 0.00002.
gnomAD v4.1: 22 of 1,599,342 alleles (0.0014%); highest among the groups gnomAD compares: Middle Eastern, 0.017%; no homozygotes.

Submissions (2):

Labcorp Genetics (formerly Invitae), Labcorp
Classification: Uncertain significance. Last evaluated: 2025-01-06. Review status: criteria provided, single submitter. Criteria: Invitae Variant Classification Sherloc (09022015). Collection method: clinical testing. Allele origin: germline.
Comment: This sequence change replaces serine, which is neutral and polar, with cysteine, which is neutral and slightly polar, at codon 306 of the EARS2 protein (p.Ser306Cys). This variant is present in population databases (rs774553761, gnomAD 0.02%). This variant has not been reported in the literature in individuals affected with EARS2-related conditions. ClinVar contains an entry for this variant (Variation ID: 1462349). Invitae Evidence Modeling of protein sequence and biophysical properties (such as structural, functional, and spatial information, amino acid conservation, physicochemical variation, residue mobility, and thermodynamic stability) has been performed for this missense variant. However, the output from this modeling did not meet the statistical confidence thresholds required to predict the impact of this variant on EARS2 protein function. In summary, the available evidence is currently insufficient to determine the role of this variant in disease. Therefore, it has been classified as a Variant of Uncertain Significance.

Ambry Genetics
Classification: Uncertain significance for Inborn genetic diseases. Last evaluated: 2024-08-15. Review status: criteria provided, single submitter. Criteria: Ambry Variant Classification Scheme 2023. Collection method: clinical testing. Allele origin: germline.

NM_001083614.2(EARS2):c.917C>G (p.Ser306Cys)

Gene: EARS2 (glutamyl-tRNA synthetase 2, mitochondrial; minus strand). Cytogenetic location: 16p12.2.
Variant type: single nucleotide variant.
Coding change: c.917C>G on transcript NM_001083614.2 (MANE Select); coding-DNA position 917, C replaced by G.
Protein change: p.Ser306Cys; replaces serine 306 with cysteine.
Molecular consequence: missense variant. On other transcripts: non-coding transcript variant (1).
Genome position (GRCh38, 1-based): chr16:23,534,929, G>C on the plus strand (C>G on the coding strand, the complement: EARS2 is on the minus strand). VCF-style: chr16-23534929-G-C. GRCh37 (hg19) VCF-style: chr16-23546250-G-C.
Other names: c.917C>G, p.Ser306Cys (NM_001308211.1); c.917C>G (NM_001083614.1); short protein forms S306C.
Identifiers: ClinVar variation 1462349 (VCV001462349.7), dbSNP rs774553761, ClinGen allele CA7962475.